The following is an entry in ClinVar:

NM_000038.6(APC):c.2892_2893insT (p.Asn965Ter)

Gene: APC (APC regulator of Wnt signaling pathway; plus strand). Cytogenetic location: 5q22.2.
Variant type: Insertion.
Coding change: c.2892_2893insT on transcript NM_000038.6 (MANE Select); coding-DNA positions 2892 to 2893, T inserted.
Protein change: p.Asn965Ter; replaces asparagine 965 with a stop codon.
Molecular consequence: nonsense. On other transcripts: non-coding transcript variant (2).
Genome position: GRCh38 VCF-style: chr5-112838486-A-AT. GRCh37 (hg19) VCF-style: chr5-112174183-A-AT.
Other names: c.2892_2893insT, p.Asn965Ter (NM_001127510.3, NM_001354895.2, NM_001407450.1); c.2838_2839insT, p.Asn947Ter (NM_001127511.3); c.2946_2947insT, p.Asn983Ter (NM_001354896.2, NM_001407447.1, NM_001407448.1 and 1 more transcripts); c.2922_2923insT, p.Asn975Ter (NM_001354897.2); c.2817_2818insT, p.Asn940Ter (NM_001354898.2); c.2808_2809insT, p.Asn937Ter (NM_001354899.2); c.2769_2770insT, p.Asn924Ter (NM_001354900.2); c.2715_2716insT, p.Asn906Ter (NM_001354901.2, NM_001407453.1); and 11 more; short protein forms N581*, N682*, N805*, N836*, N839*, N864*, N874*, N882*.
Identifiers: ClinVar variation 2584074 (VCV002584074.2), dbSNP rs2533457324, ClinGen allele CA2582341445.

ClinVar aggregate classification (germline): Pathogenic (1 of 4 stars; one submission).

Conditions:
Familial adenomatous polyposis 1 (FAP1). Also called: FAMILIAL ADENOMATOUS POLYPOSIS 1, ATTENUATED; POLYPOSIS, ADENOMATOUS INTESTINAL. Identifiers: MedGen C2713442, MONDO:0021056, OMIM 175100. Disease mechanism: loss of function.

Submission:

Myriad Genetics, Inc.
Classification: Pathogenic for Familial adenomatous polyposis 1. Last evaluated: 2023-05-05. Review status: criteria provided, single submitter. Criteria: Myriad Autosomal Dominant, Autosomal Recessive and X-Linked Classification Criteria (2023). Collection method: clinical testing. Allele origin: unknown.
Comment: This variant is considered pathogenic. This variant creates a termination codon and is predicted to result in premature protein truncation.